The following is an entry in ClinVar:

ClinVar aggregate classification (germline): Likely benign. Review status: criteria provided, multiple submitters, no conflicts (2 of 4 stars). 4 submissions from 4 submitters: Likely benign (3). 1 of the submissions does not count toward it. Last evaluated 2025-12-02.

Conditions:
KY-related disorder. Also called: KY-related condition.

Allele frequency attached by ClinVar (database versions not stated): 1000 Genomes Project 30x 0.00016; 1000 Genomes Project 0.00020; gnomAD exomes 0.00142 and 0.00227; ExAC 0.00148; ESP Exome Variant Server 0.00175; TOPMed 0.00188; gnomAD 0.00190 and 0.00198.
gnomAD v4.1: 3,549 of 1,609,584 alleles (0.22%); highest among the groups gnomAD compares: Non-Finnish European, 0.28%; 6 homozygotes.

Submissions (4):

Women's Health and Genetics/Laboratory Corporation of America, LabCorp
Classification: Likely benign. Last evaluated: 2025-12-02. Review status: criteria provided, single submitter. Criteria: LabCorp Variant Classification Summary - May 2015. Collection method: clinical testing. Allele origin: germline.

Blueprint Genetics
Classification: Likely benign. Last evaluated: 2024-11-26. Review status: criteria provided, single submitter. Criteria: ACMG Guidelines, 2015. Collection method: clinical testing. Allele origin: germline.

Labcorp Genetics (formerly Invitae), Labcorp
Classification: Likely benign. Last evaluated: 2019-12-31. Review status: criteria provided, single submitter. Criteria: Invitae Variant Classification Sherloc (09022015). Collection method: clinical testing. Allele origin: germline.

PreventionGenetics, part of Exact Sciences
Classification: Likely benign for KY-related condition. Last evaluated: 2019-07-03. Review status: no assertion criteria provided. Collection method: clinical testing. Allele origin: germline. Not counted in ClinVar's aggregate classification.
Comment: This variant is classified as likely benign based on ACMG/AMP sequence variant interpretation guidelines (Richards et al. 2015 PMID: 25741868, with internal and published modifications).

NM_178554.6(KY):c.1395G>A (p.Lys465=)

Genes: CEP63 (centrosomal protein 63; plus strand), KY (kyphoscoliosis peptidase; minus strand), LOC123038188 (Sharpr-MPRA regulatory region 9743; plus strand). Cytogenetic location: 3q22.2.
Variant type: single nucleotide variant.
Coding change: c.1395G>A on transcript NM_178554.6 (MANE Select); coding-DNA position 1395, G replaced by A.
Protein change: p.Lys465=; no amino-acid change (lysine 465 retained).
Molecular consequence: synonymous variant.
Genome position (GRCh38, 1-based): chr3:134,604,170, C>T on the plus strand (G>A on the coding strand, the complement: KY is on the minus strand). VCF-style: chr3-134604170-C-T. GRCh37 (hg19) VCF-style: chr3-134323012-C-T.
Other names: c.1347G>A, p.Lys449= (NM_001350859.2); c.1332G>A, p.Lys444= (NM_001366276.1).
Identifiers: ClinVar variation 709140 (VCV000709140.8), dbSNP rs376145121, ClinGen allele CA2629014.